The following is an entry in ClinVar:

NM_020312.4(COQ9):c.88C>G (p.Gln30Glu)

Gene: COQ9 (coenzyme Q9; plus strand). Cytogenetic location: 16q21.
Variant type: single nucleotide variant.
Coding change: c.88C>G on transcript NM_020312.4 (MANE Select); coding-DNA position 88, C replaced by G.
Protein change: p.Gln30Glu; replaces glutamine 30 with glutamic acid.
Molecular consequence: missense variant.
Genome position (GRCh38, 1-based): chr16:57,451,054, C>G. VCF-style: chr16-57451054-C-G. GRCh37 (hg19) VCF-style: chr16-57484966-C-G.
Other names: short protein forms Q30E.
Identifiers: ClinVar variation 1978688 (VCV001978688.4), dbSNP rs2543566310, ClinGen allele CA396026531.

ClinVar aggregate classification (germline): Uncertain significance (1 of 4 stars; one submission).

Submission:

Labcorp Genetics (formerly Invitae), Labcorp
Classification: Uncertain significance. Last evaluated: 2022-08-22. Review status: criteria provided, single submitter. Criteria: Invitae Variant Classification Sherloc (09022015). Collection method: clinical testing. Allele origin: germline.
Comment: In summary, the available evidence is currently insufficient to determine the role of this variant in disease. Therefore, it has been classified as a Variant of Uncertain Significance. Algorithms developed to predict the effect of missense changes on protein structure and function (SIFT, PolyPhen-2, Align-GVGD) all suggest that this variant is likely to be tolerated. This variant has not been reported in the literature in individuals affected with COQ9-related conditions. This variant is not present in population databases (gnomAD no frequency). This sequence change replaces glutamine, which is neutral and polar, with glutamic acid, which is acidic and polar, at codon 30 of the COQ9 protein (p.Gln30Glu).